The following is an entry in ClinVar:

NM_020928.2(ZSWIM6):c.3148G>T (p.Ala1050Ser)

Gene: ZSWIM6 (zinc finger SWIM-type containing 6; plus strand). Cytogenetic location: 5q12.1.
Variant type: single nucleotide variant.
Coding change: c.3148G>T on transcript NM_020928.2 (MANE Select); coding-DNA position 3148, G replaced by T.
Protein change: p.Ala1050Ser; replaces alanine 1050 with serine.
Molecular consequence: missense variant.
Genome position (GRCh38, 1-based): chr5:61,543,817, G>T. VCF-style: chr5-61543817-G-T. GRCh37 (hg19) VCF-style: chr5-60839644-G-T.
Other names: short protein forms A1050S.
Identifiers: ClinVar variation 5019221 (VCV005019221.2).
Genomic context (GRCh38, chr5:61,543,817, plus strand): 5'-CTCTTTACAATAGCACGGTACATGGAGCACCGCGGGTACCCCATGAGGGCCTACAAGCTG[G>T]CCACCCTGGCCATGACCCATCTCAACCTGAGCTACAATCAGGACACACACCCTGCCATTA-3'
Protein context (NP_065979.1, residues 1040-1060): RGYPMRAYKL[Ala1050Ser]TLAMTHLNLS

ClinVar aggregate classification (germline): Uncertain significance (1 of 4 stars; one submission).

Conditions:
Acromelic frontonasal dysostosis (AFND). Identifiers: Orphanet 1827, MedGen C1863616, MONDO:0011359, OMIM 603671.
Neurodevelopmental disorder with movement abnormalities, abnormal gait, and autistic features. Identifiers: MedGen C4693405, MONDO:0060642, OMIM 617865.

Submission:

Juno Genomics, Hangzhou Juno Genomics, Inc
Classification: Uncertain significance for Acromelic frontonasal dysostosis; Neurodevelopmental disorder with movement abnormalities, abnormal gait, and autistic features. Review status: criteria provided, single submitter. Criteria: ACMG Guidelines, 2015. Collection method: clinical testing. Allele origin: germline.
Comment: Absent from controls (or at extremely low frequency if recessive) in Genome Aggregation Database.;Missense variant in a gene that has a low rate of benign missense variation.